The following is an entry in ClinVar:

NM_005359.6(SMAD4):c.424+14G>A

Gene: SMAD4 (SMAD family member 4; plus strand). Cytogenetic location: 18q21.2.
Variant type: single nucleotide variant.
Coding change: c.424+14G>A on transcript NM_005359.6 (MANE Select); 14 bases into the intron after coding-DNA position 424, G replaced by A.
Molecular consequence: intron variant.
Genome position (GRCh38, 1-based): chr18:51,048,874, G>A. VCF-style: chr18-51048874-G-A. GRCh37 (hg19) VCF-style: chr18-48575244-G-A.
Identifiers: ClinVar variation 391022 (VCV000391022.3), dbSNP rs1057523947, ClinGen allele CA16608758.
Genomic context (GRCh38, chr18:51,048,874, plus strand): 5'-CTGTGTGAATCCATATCACTACGAACGAGTTGTATCACCTGGAATTGGTAAGTAGACTTT[G>A]CTTTCATCCTAAGAAACATAAAGGGAAAAGGATCTCAATAGTGTTTCAATTTTTGTAAGT-3'

ClinVar aggregate classification (germline): Likely benign. Review status: criteria provided, multiple submitters, no conflicts (2 of 4 stars). 2 submissions from 2 submitters: Likely benign (2). Last evaluated 2019-10-14.

Conditions:
Hereditary cancer-predisposing syndrome. Also called: Hereditary Cancer Syndrome; Hereditary neoplastic syndrome; Neoplastic Syndromes, Hereditary; Tumor predisposition. Identifiers: Orphanet 140162, MedGen C0027672, MeSH D009386, MONDO:0015356.

Submissions (2):

Color Diagnostics, LLC DBA Color Health
Classification: Likely benign for Hereditary cancer-predisposing syndrome. Last evaluated: 2019-10-14. Review status: criteria provided, single submitter. Criteria: ACMG Guidelines, 2015. Collection method: clinical testing. Allele origin: germline.

GeneDx
Classification: Likely benign. Last evaluated: 2016-11-14. Review status: criteria provided, single submitter. Criteria: GeneDx Variant Classification (06012015). Collection method: clinical testing. Allele origin: germline. Affected: yes.
Comment: This variant is considered likely benign or benign based on one or more of the following criteria: it is a conservative change, it occurs at a poorly conserved position in the protein, it is predicted to be benign by multiple in silico algorithms, and/or has population frequency not consistent with disease.